The following is an entry in ClinVar:

NM_021784.5(FOXA2):c.379A>G (p.Met127Val)

Gene: FOXA2 (forkhead box A2; minus strand). Cytogenetic location: 20p11.21.
Variant type: single nucleotide variant.
Coding change: c.379A>G on transcript NM_021784.5 (MANE Select); coding-DNA position 379, A replaced by G.
Protein change: p.Met127Val; replaces methionine 127 with valine.
Molecular consequence: missense variant.
Genome position (GRCh38, 1-based): chr20:22,582,863, T>C on the plus strand (A>G on the coding strand, the complement: FOXA2 is on the minus strand). VCF-style: chr20-22582863-T-C. GRCh37 (hg19) VCF-style: chr20-22563501-T-C.
Other names: c.361A>G, p.Met121Val (NM_153675.3); short protein forms M121V, M127V.
Identifiers: ClinVar variation 1653261 (VCV001653261.9), dbSNP rs202108779, ClinGen allele CA9787042.
Genomic context (GRCh38, chr20:22,582,863, plus strand): 5'-CCGCCTGCCCGTACATGGGGCTCATGGAGTTCATGTTGGCGTAGGGGGCCAGGCCGCCCA[T>C]GGCCCCGGCCGCCTGCCCCCCGAGCGGGCTCAGGCTGGGACTCAAGTGCGGCCCCATGCC-3'
Protein context (NP_068556.2, residues 117-137): SPLGGQAAGA[Met127Val]GGLAPYANMN

ClinVar aggregate classification (germline): Benign/Likely benign. Review status: criteria provided, multiple submitters, no conflicts (2 of 4 stars). 2 submissions from 2 submitters: Benign (1); Likely benign (1). Last evaluated 2026-07-01.

Allele frequency attached by ClinVar (database versions not stated): 1000 Genomes Project 30x 0.00016; 1000 Genomes Project 0.00020; ExAC 0.00096; gnomAD exomes 0.00106 and 0.00163; gnomAD 0.00124 and 0.00131; TOPMed 0.00129; ESP Exome Variant Server 0.00139.

Submissions (2):

CeGaT Center for Human Genetics Tuebingen
Classification: Benign. Last evaluated: 2026-07-01. Review status: criteria provided, single submitter. Criteria: CeGaT Center For Human Genetics Tuebingen Variant Classification Criteria Version 2. Collection method: clinical testing. Allele origin: germline. Affected: yes. Observed: 1 variant allele.
Comment: FOXA2: BS1, BS2

Labcorp Genetics (formerly Invitae), Labcorp
Classification: Likely benign. Last evaluated: 2025-12-09. Review status: criteria provided, single submitter. Criteria: Invitae Variant Classification Sherloc (09022015). Collection method: clinical testing. Allele origin: germline.